The following is an entry in ClinVar:

NM_022765.4(MICAL1):c.1856-3C>T

Gene: MICAL1 (microtubule associated monooxygenase, calponin and LIM domain containing 1; minus strand). Cytogenetic location: 6q21.
Variant type: single nucleotide variant.
Coding change: c.1856-3C>T on transcript NM_022765.4 (MANE Select); 3 bases into the intron before coding-DNA position 1856, C replaced by T.
Molecular consequence: intron variant.
Genome position (GRCh38, 1-based): chr6:109,447,966, G>A on the plus strand (C>T on the coding strand, the complement: MICAL1 is on the minus strand). VCF-style: chr6-109447966-G-A. GRCh37 (hg19) VCF-style: chr6-109769169-G-A.
Other names: c.1913-3C>T (NM_001286613.2); c.1598-3C>T (NM_001159291.2).
Identifiers: ClinVar variation 4768245 (VCV004768245.1).
Genomic context (GRCh38, chr6:109,447,966, plus strand): 5'-AGTTTACTAAGGAATAATACAGCACTGGAGGTCCCTGGGGAGGCCTGGCTGACAGGGCCT[G>A]CGGGGAGAGCCAGGGCATCAGTGTGGATGGGGGGTGCCAATACTGTACTCTCAGAACAGA-3'

ClinVar aggregate classification (germline): Uncertain significance (1 of 4 stars; one submission).

gnomAD v4.1: 26 of 1,602,770 alleles (0.0016%); highest among the groups gnomAD compares: Non-Finnish European, 0.0021%; no homozygotes.

Submission:

Labcorp Genetics (formerly Invitae), Labcorp
Classification: Uncertain significance. Last evaluated: 2025-07-02. Review status: criteria provided, single submitter. Criteria: Invitae Variant Classification Sherloc (09022015). Collection method: clinical testing. Allele origin: germline.
Comment: This sequence change falls in intron 13 of the MICAL1 gene. It does not directly change the encoded amino acid sequence of the MICAL1 protein. It affects a nucleotide within the consensus splice site. This variant is present in population databases (no rsID available, gnomAD 0.001%). This variant has not been reported in the literature in individuals affected with MICAL1-related conditions. Variants that disrupt the consensus splice site are a relatively common cause of aberrant splicing (PMID: 17576681, 9536098). Algorithms developed to predict the effect of sequence changes on RNA splicing suggest that this variant may disrupt the consensus splice site. In summary, the available evidence is currently insufficient to determine the role of this variant in disease. Therefore, it has been classified as a Variant of Uncertain Significance.

Literature cited by the submitters: PubMed 17576681; PubMed 9536098.